The following is an entry in ClinVar:

NM_001039141.3(TRIOBP):c.3163G>A (p.Glu1055Lys)

Gene: TRIOBP (TRIO and F-actin binding protein; plus strand). Cytogenetic location: 22q13.1.
Variant type: single nucleotide variant.
Coding change: c.3163G>A on transcript NM_001039141.3 (MANE Select); coding-DNA position 3163, G replaced by A.
Protein change: p.Glu1055Lys; replaces glutamic acid 1055 with lysine.
Molecular consequence: missense variant.
Genome position (GRCh38, 1-based): chr22:37,725,719, G>A. VCF-style: chr22-37725719-G-A. GRCh37 (hg19) VCF-style: chr22-38121726-G-A.
Other names: short protein forms E1055K.
Identifiers: ClinVar variation 1909341 (VCV001909341.5), dbSNP rs775695156, ClinGen allele CA10224041.

ClinVar aggregate classification (germline): Uncertain significance (1 of 4 stars; one submission).

Allele frequency attached by ClinVar (database versions not stated): gnomAD 0.00001; ExAC 0.00007.
gnomAD v4.1: 35 of 1,603,572 alleles (0.0022%); highest among the groups gnomAD compares: East Asian, 0.0022%; no homozygotes.

Submission:

Labcorp Genetics (formerly Invitae), Labcorp
Classification: Uncertain significance. Last evaluated: 2022-05-27. Review status: criteria provided, single submitter. Criteria: Invitae Variant Classification Sherloc (09022015). Collection method: clinical testing. Allele origin: germline.
Comment: This variant is present in population databases (rs775695156, gnomAD 0.03%). This sequence change replaces glutamic acid, which is acidic and polar, with lysine, which is basic and polar, at codon 1055 of the TRIOBP protein (p.Glu1055Lys). This variant has not been reported in the literature in individuals affected with TRIOBP-related conditions. In summary, the available evidence is currently insufficient to determine the role of this variant in disease. Therefore, it has been classified as a Variant of Uncertain Significance. Algorithms developed to predict the effect of missense changes on protein structure and function (SIFT, PolyPhen-2, Align-GVGD) all suggest that this variant is likely to be tolerated.